The following is an entry in ClinVar:

NM_001164508.2(NEB):c.9578A>G (p.Glu3193Gly)

Gene: NEB (nebulin; minus strand). Cytogenetic location: 2q23.3.
Variant type: single nucleotide variant.
Coding change: c.9578A>G on transcript NM_001164508.2 (MANE Select); coding-DNA position 9578, A replaced by G.
Protein change: p.Glu3193Gly; replaces glutamic acid 3193 with glycine.
Molecular consequence: missense variant. On other transcripts: intron variant (1).
Genome position (GRCh38, 1-based): chr2:151,631,183, T>C on the plus strand (A>G on the coding strand, the complement: NEB is on the minus strand). VCF-style: chr2-151631183-T-C. GRCh37 (hg19) VCF-style: chr2-152487697-T-C.
Other names: c.9578A>G, p.Glu3193Gly (NM_001164507.2, NM_001271208.2); c.8854-5A>G (NM_004543.5); short protein forms E3193G.
Identifiers: ClinVar variation 424402 (VCV000424402.14), dbSNP rs369985728, ClinGen allele CA1909273.

ClinVar aggregate classification (germline): Uncertain significance. Review status: criteria provided, multiple submitters, no conflicts (2 of 4 stars). 5 submissions from 5 submitters: Uncertain significance (4). 1 of the submissions does not count toward it. Last evaluated 2024-09-19.

Conditions:
Nemaline myopathy 2 (NEM2). Also called: Nemaline myopathy 2, autosomal recessive. Identifiers: MedGen C1850569, MONDO:0009725, OMIM 256030.

Allele frequency attached by ClinVar (database versions not stated): gnomAD exomes 0.00001; ExAC 0.00002; gnomAD 0.00015 and 0.00016; ESP Exome Variant Server 0.00016; TOPMed 0.00017.
gnomAD v4.1: 34 of 1,613,834 alleles (0.0021%); highest among the groups gnomAD compares: African/African-American, 0.04%; no homozygotes.

Submissions (5):

Revvity Omics, Revvity
Classification: Uncertain significance. Last evaluated: 2024-09-19. Review status: criteria provided, single submitter. Criteria: ACMG Guidelines, 2015. Collection method: clinical testing. Allele origin: germline.

GeneDx
Classification: Uncertain significance. Last evaluated: 2023-03-21. Review status: criteria provided, single submitter. Criteria: GeneDx Variant Classification Process June 2021. Collection method: clinical testing. Allele origin: germline. Affected: yes.
Comment: In silico analysis supports that this missense variant does not alter protein structure/function; Has not been previously published as pathogenic or benign to our knowledge

Labcorp Genetics (formerly Invitae), Labcorp
Classification: Uncertain significance for Nemaline myopathy 2. Last evaluated: 2022-07-19. Review status: criteria provided, single submitter. Criteria: Invitae Variant Classification Sherloc (09022015). Collection method: clinical testing. Allele origin: germline.
Comment: This sequence change replaces glutamic acid, which is acidic and polar, with glycine, which is neutral and non-polar, at codon 3193 of the NEB protein (p.Glu3193Gly). This variant is present in population databases (rs369985728, gnomAD 0.02%). This variant has not been reported in the literature in individuals affected with NEB-related conditions. ClinVar contains an entry for this variant (Variation ID: 424402). Algorithms developed to predict the effect of missense changes on protein structure and function are either unavailable or do not agree on the potential impact of this missense change (SIFT: "Deleterious"; PolyPhen-2: "Not Available"; Align-GVGD: "Class C0"). In summary, the available evidence is currently insufficient to determine the role of this variant in disease. Therefore, it has been classified as a Variant of Uncertain Significance.

Blueprint Genetics
Classification: Uncertain significance. Last evaluated: 2020-04-17. Review status: criteria provided, single submitter. Criteria: ACMG Guidelines, 2015. Collection method: clinical testing. Allele origin: germline.

Natera, Inc.
Classification: Uncertain significance for Nemaline myopathy type 2. Last evaluated: 2019-11-11. Review status: no assertion criteria provided. Collection method: clinical testing. Allele origin: germline. Not counted in ClinVar's aggregate classification.